The following is an entry in ClinVar:

NM_006944.3(SPP2):c.444+1G>T

Gene: SPP2 (secreted phosphoprotein 2; plus strand). Cytogenetic location: 2q37.1.
Variant type: single nucleotide variant.
Coding change: c.444+1G>T on transcript NM_006944.3 (MANE Select); the canonical splice donor site of the intron after coding-DNA position 444, G replaced by T.
Molecular consequence: splice donor variant.
Genome position (GRCh38, 1-based): chr2:234,060,480, G>T. VCF-style: chr2-234060480-G-T. GRCh37 (hg19) VCF-style: chr2-234969124-G-T.
Identifiers: ClinVar variation 2880940 (VCV002880940.3), dbSNP rs776952836, ClinGen allele CA2183197.

ClinVar aggregate classification (germline): Uncertain significance (1 of 4 stars; one submission).

Allele frequency attached by ClinVar (database versions not stated): TOPMed below 0.00001; ExAC 0.00001.
gnomAD v4.1: 1 of 1,611,734 alleles (0.000062%); highest among the groups gnomAD compares: Admixed American, 0.0017%; no homozygotes.

Submission:

Labcorp Genetics (formerly Invitae), Labcorp
Classification: Uncertain significance. Last evaluated: 2023-01-24. Review status: criteria provided, single submitter. Criteria: Invitae Variant Classification Sherloc (09022015). Collection method: clinical testing. Allele origin: germline.
Comment: In summary, the available evidence is currently insufficient to determine the role of this variant in disease. Therefore, it has been classified as a Variant of Uncertain Significance. Algorithms developed to predict the effect of sequence changes on RNA splicing suggest that this variant may disrupt the consensus splice site. This variant has not been reported in the literature in individuals affected with SPP2-related conditions. This variant is present in population databases (rs776952836, gnomAD 0.003%). This sequence change affects a donor splice site in intron 4 of the SPP2 gene. It is expected to disrupt RNA splicing. Variants that disrupt the donor or acceptor splice site typically lead to a loss of protein function (PMID: 16199547), however the current clinical and genetic evidence is not sufficient to establish whether loss-of-function variants in SPP2 cause disease.

Literature cited by the submitters: PubMed 16199547.